The following is an entry in ClinVar:

NM_016507.4(CDK12):c.4441A>G (p.Arg1481Gly)

Gene: CDK12 (cyclin dependent kinase 12; plus strand). Cytogenetic location: 17q12.
Variant type: single nucleotide variant.
Coding change: c.4441A>G on transcript NM_016507.4 (MANE Select); coding-DNA position 4441, A replaced by G.
Protein change: p.Arg1481Gly; replaces arginine 1481 with glycine.
Molecular consequence: missense variant.
Genome position (GRCh38, 1-based): chr17:39,531,284, A>G. VCF-style: chr17-39531284-A-G. GRCh37 (hg19) VCF-style: chr17-37687537-A-G.
Other names: c.4414A>G, p.Arg1472Gly (NM_015083.4); short protein forms R1481G, R1472G.
Identifiers: ClinVar variation 4841703 (VCV004841703.1).

ClinVar aggregate classification (germline): Uncertain significance (1 of 4 stars; one submission).

Submission:

Ambry Genetics
Classification: Uncertain significance. Last evaluated: 2026-01-13. Review status: criteria provided, single submitter. Criteria: Ambry Variant Classification Scheme 2023. Collection method: clinical testing. Allele origin: germline.
Comment: The p.R1481G variant (also known as c.4441A>G), located in coding exon 14 of the CDK12 gene, results from an A to G substitution at nucleotide position 4441. The arginine at codon 1481 is replaced by glycine, an amino acid with dissimilar properties. This amino acid position is conserved. In addition, the in silico prediction for this alteration is inconclusive. Based on the available evidence, the clinical significance of this variant remains unclear.